The following is an entry in ClinVar:

NM_001943.5(DSG2):c.1752G>A (p.Gln584=)

Gene: DSG2 (desmoglein 2; plus strand). Cytogenetic location: 18q12.1.
Variant type: single nucleotide variant.
Coding change: c.1752G>A on transcript NM_001943.5 (MANE Select); coding-DNA position 1752, G replaced by A.
Protein change: p.Gln584=; no amino-acid change (glutamine 584 retained).
Molecular consequence: synonymous variant.
Genome position (GRCh38, 1-based): chr18:31,538,851, G>A. VCF-style: chr18-31538851-G-A. GRCh37 (hg19) VCF-style: chr18-29118814-G-A.
Identifiers: ClinVar variation 2142022 (VCV002142022.6), dbSNP rs1305996368, ClinGen allele CA503596699.
Genomic context (GRCh38, chr18:31,538,851, plus strand): 5'-GAGAAGTGAAATTCAGTTCCTGATTTCAGACAATCAGGGTTTTAGTTGTCCTGAAAAGCA[G>A]GTCCTTACACTCACAGTTTGTGAGTGTCTGCATGGCAGCGGCTGCAGGGAAGCACAGCAT-3'
Protein context (NP_001934.2, residues 574-594): DNQGFSCPEK[Gln584=]VLTLTVCECL

ClinVar aggregate classification (germline): Likely benign. Review status: criteria provided, multiple submitters, no conflicts (2 of 4 stars). 2 submissions from 2 submitters: Likely benign (2). Last evaluated 2024-03-24.

Conditions:
Arrhythmogenic right ventricular dysplasia 10. Also called: ARRHYTHMOGENIC RIGHT VENTRICULAR DYSPLASIA, FAMILIAL, 10; Arrhythmogenic Right Ventricular Dysplasia/Cardiomyopathy10; Arrhythmogenic right ventricular dysplasia/cardiomyopathy, type 10. Identifiers: MedGen C1857777, MONDO:0012434, OMIM 610193.
Arrhythmogenic right ventricular cardiomyopathy (ARVD). Also called: Arrhythmogenic right ventricular dysplasia; Cardiomyopathy, ARVC; Arrhythmogenic cardiomyopathy; Arrhythmogenic Right Ventricular Cardiomyopathy (ARVC). Identifiers: Orphanet 247, MedGen C0349788, MeSH D019571, MONDO:0016587. Disease mechanism: loss of function. Inheritance: Various modes of inheritance.

Allele frequency attached by ClinVar (database versions not stated): gnomAD exomes below 0.00001; TOPMed below 0.00001.
gnomAD v4.1: 5 of 1,614,190 alleles (0.00031%); highest among the groups gnomAD compares: Non-Finnish European, 0.00034%; no homozygotes.

Submissions (2):

All of Us Research Program, National Institutes of Health
Classification: Likely benign for Arrhythmogenic right ventricular cardiomyopathy. Last evaluated: 2024-03-24. Review status: criteria provided, single submitter. Criteria: ACMG Guidelines, 2015. Collection method: clinical testing. Allele origin: germline. Inheritance: Autosomal dominant inheritance. Observed: 3 variant alleles, 3 heterozygotes.
Comment: This study involves interpretation of variants in research participants for the purpose of population health screening. Participant phenotype was not available at the time of variant classification. Additional details can be found in publication PMID: 35346344, PMCID: PMC8962531

Labcorp Genetics (formerly Invitae), Labcorp
Classification: Likely benign for Arrhythmogenic right ventricular dysplasia 10. Last evaluated: 2022-10-20. Review status: criteria provided, single submitter. Criteria: Invitae Variant Classification Sherloc (09022015). Collection method: clinical testing. Allele origin: germline.